The following is an entry in ClinVar:

ClinVar aggregate classification (germline): Pathogenic (1 of 4 stars; one submission).

Submission:

Quest Diagnostics Nichols Institute San Juan Capistrano
Classification: Pathogenic. Last evaluated: 2021-09-30. Review status: criteria provided, single submitter. Criteria: ACMG/ClinGen CNV Guidelines, 2019. Collection method: clinical testing. Allele origin: unknown.
Comment: The deletion on X of the STS gene in males causes X-linked ichthyosis (OMIM 308100), which results from steroid sulfatase deficiency. Although this disorder is X-linked recessive, deep corneal opacities and mild abnormalities of the skin have been reported in a subset of carrier females. In addition, hypogonadotropic hypogonadism with or without anosmia (Kallmann syndrome; OMIM 308700) is caused by deletion in the ANOS1 gene. Males with Kallmann syndrome show anosmia due to agenesis of the olfactory lobes, and hypogonadism secondary to deficiency of hypothalamic gonadotropin-releasing hormone. Female carriers are typically unaffected but may have partial or complete anosmia.

GRCh37/hg19 Xp22.31(chrX:6647161-8760719)x1

Genes: ANOS1 (anosmin 1; minus strand), FAM9A (family with sequence similarity 9 member A; minus strand), PNPLA4 (patatin like phospholipase domain containing 4; minus strand), PUDP (pseudouridine 5'-phosphatase; minus strand), STS (steroid sulfatase; plus strand) and 3 more. Cytogenetic location: Xp22.31.
Variant type: copy number loss.
Change: copy number 1 of chrX:6,647,161-8,760,719 (2.11 Mb, GRCh37 coordinates, 1-based), cytogenetic band Xp22.31.
Identifiers: ClinVar variation 1809291 (VCV001809291.1).